The following is an entry in ClinVar:

NM_005219.5(DIAPH1):c.3292C>A (p.Gln1098Lys)

Gene: DIAPH1 (diaphanous related formin 1; minus strand). Cytogenetic location: 5q31.3.
Variant type: single nucleotide variant.
Coding change: c.3292C>A on transcript NM_005219.5 (MANE Select); coding-DNA position 3292, C replaced by A.
Protein change: p.Gln1098Lys; replaces glutamine 1098 with lysine.
Molecular consequence: missense variant.
Genome position (GRCh38, 1-based): chr5:141,526,443, G>T on the plus strand (C>A on the coding strand, the complement: DIAPH1 is on the minus strand). VCF-style: chr5-141526443-G-T. GRCh37 (hg19) VCF-style: chr5-140906010-G-T.
Other names: c.3265C>A, p.Gln1089Lys (NM_001079812.3); c.3292C>A, p.Gln1098Lys (NM_001314007.2); short protein forms Q1089K, Q1098K.
Identifiers: ClinVar variation 854885 (VCV000854885.10), dbSNP rs2099887333, ClinGen allele CA361579328.
Genomic context (GRCh38, chr5:141,526,443, plus strand): 5'-GCTCCTTATAGAGGGTCTCCATGTTAGAATGCATCATCCGCAGCTTGTTATACTGTTCCT[G>T]TGCATCCTTCACAAAGCTGTGCAGCCAAGGAGTAAAGGACCAAGACCAAGACCAAGAAGC-3'
Protein context (NP_005210.3, residues 1088-1108): EKMTSFVKDA[Gln1098Lys]EQYNKLRMMH

ClinVar aggregate classification (germline): Uncertain significance (1 of 4 stars; one submission).

Conditions:
Progressive microcephaly-seizures-cortical blindness-developmental delay syndrome. Also called: Seizures, cortical blindness, and microcephaly syndrome. Identifiers: Orphanet 477814, MedGen C5567650, MONDO:0014714, OMIM 616632.
Autosomal dominant nonsyndromic hearing loss 1. Also called: DEAFNESS, AUTOSOMAL DOMINANT 1, WITH OR WITHOUT THROMBOCYTOPENIA; KONIGSMARK SYNDROME. Identifiers: Orphanet 90635, MedGen C1852282, MONDO:0007424, OMIM 124900.

Submission:

Labcorp Genetics (formerly Invitae), Labcorp
Classification: Uncertain significance for Progressive microcephaly-seizures-cortical blindness-developmental delay syndrome; Autosomal dominant nonsyndromic hearing loss 1. Last evaluated: 2020-02-12. Review status: criteria provided, single submitter. Criteria: Invitae Variant Classification Sherloc (09022015). Collection method: clinical testing. Allele origin: germline.
Comment: In summary, the available evidence is currently insufficient to determine the role of this variant in disease. Therefore, it has been classified as a Variant of Uncertain Significance. Algorithms developed to predict the effect of missense changes on protein structure and function (SIFT, PolyPhen-2, Align-GVGD) all suggest that this variant is likely to be tolerated, but these predictions have not been confirmed by published functional studies and their clinical significance is uncertain. This sequence change replaces glutamine with lysine at codon 1098 of the DIAPH1 protein (p.Gln1098Lys). The glutamine residue is highly conserved and there is a small physicochemical difference between glutamine and lysine. This variant is not present in population databases (ExAC no frequency). This variant has not been reported in the literature in individuals with DIAPH1-related conditions.